The following is an entry in ClinVar:

NM_006231.4(POLE):c.1478del (p.Leu493fs)

Gene: POLE (DNA polymerase epsilon, catalytic subunit; minus strand). Cytogenetic location: 12q24.33.
Variant type: Deletion.
Coding change: c.1478del on transcript NM_006231.4 (MANE Select); coding-DNA position 1478, one base deleted (T; older notation c.1478delT).
Protein change: p.Leu493fs; shifts the reading frame from leucine 493.
Molecular consequence: frameshift variant.
Genome position (GRCh38, 1-based): chr12:132,672,835, A deleted on the plus strand (T on the coding strand, the reverse complement: POLE is on the minus strand). VCF-style (leftmost placement, unchanged base first): chr12-132672834-CA-C. GRCh37 (hg19) VCF-style: chr12-133249420-CA-C.
Other names: c.1478delT (NM_006231.2); c.1478del (NM_006231.2); short protein forms L493fs.
Identifiers: ClinVar variation 473459 (VCV000473459.17), dbSNP rs760070332, ClinGen allele CA6893932.

ClinVar aggregate classification (germline): Conflicting classifications of pathogenicity. Review status: criteria provided, conflicting classifications (1 of 4 stars). 4 submissions from 4 submitters: Pathogenic (1); Likely pathogenic (1); Uncertain significance (1). 1 of the submissions does not count toward it. Last evaluated 2026-01-16.

Conditions:
Colorectal cancer, susceptibility to, 12 (CRCS12). Also called: COLORECTAL CANCER, SUSCEPTIBILITY TO, ON CHROMOSOME 12q24. Identifiers: Orphanet 220460, MedGen C3554460, MONDO:0014038, OMIM 615083.
Hereditary cancer-predisposing syndrome. Also called: Neoplastic Syndromes, Hereditary; Tumor predisposition; Hereditary neoplastic syndrome; Hereditary Cancer Syndrome. Identifiers: Orphanet 140162, MedGen C0027672, MeSH D009386, MONDO:0015356.

Allele frequency attached by ClinVar (database versions not stated): TOPMed 0.00005; gnomAD exomes below 0.00001 and 0.00001; gnomAD 0.00005 and 0.00006; ExAC 0.00002.

Submissions (4):

Labcorp Genetics (formerly Invitae), Labcorp
Classification: Pathogenic. Last evaluated: 2026-01-16. Review status: criteria provided, single submitter. Criteria: Invitae Variant Classification Sherloc (09022015). Collection method: clinical testing. Allele origin: germline.
Comment: This sequence change creates a premature translational stop signal (p.Leu493Argfs*13) in the POLE gene. It is expected to result in an absent or disrupted protein product. Loss-of-function variants in POLE are known to be pathogenic (PMID: 23230001, 25948378, 30503519). This variant is present in population databases (rs760070332, gnomAD 0.01%). This variant has not been reported in the literature in individuals affected with POLE-related conditions. ClinVar contains an entry for this variant (Variation ID: 473459). For these reasons, this variant has been classified as Pathogenic.

Ambry Genetics
Classification: Uncertain significance for Hereditary cancer-predisposing syndrome. Last evaluated: 2026-01-07. Review status: criteria provided, single submitter. Criteria: Ambry Variant Classification Scheme 2023. Collection method: clinical testing. Allele origin: germline.
Comment: The c.1478delT variant, located in coding exon 15 of the POLE gene, results from a deletion of one nucleotide at nucleotide position 1478, causing a translational frameshift with a predicted alternate stop codon (p.L493Rfs*13). This alteration is expected to result in loss of function by premature protein truncation or nonsense-mediated mRNA decay. Although biallelic loss of function of POLE has been associated with autosomal recessive POLE deficiency, haploinsufficiency of POLE has not been established as a mechanism of disease for POLE-related polymerase proofreading-associated polyposis (PPAP) and POLE-related CMMRD-like syndrome. Based on the supporting evidence, this variant is expected to be causative of POLE deficiency when present along with a second pathogenic variant on the other allele; however, its clinical significance for PPAP and POLE-related CMMRD-like syndrome is unclear.

GeneDx
Classification: Likely pathogenic. Last evaluated: 2024-07-02. Review status: criteria provided, single submitter. Criteria: GeneDx Variant Classification Process June 2021. Collection method: clinical testing. Allele origin: germline. Affected: yes.
Comment: Frameshift variant predicted to result in protein truncation or nonsense mediated decay in a gene for which loss of function is a known mechanism of disease; Not observed at significant frequency in large population cohorts (gnomAD); Identified in an individual with osteosarcoma (PMID: 32191290); This variant is associated with the following publications: (PMID: 32191290)

Counsyl
Classification: Uncertain significance for Colorectal cancer, susceptibility to, 12. Last evaluated: 2017-06-05. Review status: no assertion criteria provided. Collection method: clinical testing. Allele origin: unknown. Not counted in ClinVar's aggregate classification.

Literature cited by the submitters: PubMed 23230001 (cited by Labcorp Genetics (formerly Invitae), Labcorp); PubMed 25948378 (cited by Labcorp Genetics (formerly Invitae), Labcorp); PubMed 30503519 (cited by Labcorp Genetics (formerly Invitae), Labcorp).